The following is an entry in ClinVar:

NM_182922.4(HEATR3):c.1543A>G (p.Ile515Val)

Gene: HEATR3 (HEAT repeat containing 3; plus strand). Cytogenetic location: 16q12.1.
Variant type: single nucleotide variant.
Coding change: c.1543A>G on transcript NM_182922.4 (MANE Select); coding-DNA position 1543, A replaced by G.
Protein change: p.Ile515Val; replaces isoleucine 515 with valine.
Molecular consequence: missense variant. On other transcripts: non-coding transcript variant (2).
Genome position (GRCh38, 1-based): chr16:50,094,737, A>G. VCF-style: chr16-50094737-A-G. GRCh37 (hg19) VCF-style: chr16-50128648-A-G.
Other names: NC_000016.9:g.50128648A>G; c.1192A>G, p.Ile398Val (NM_001329729.2, NM_001329730.2); c.850A>G, p.Ile284Val (NM_001329731.2); short protein forms I398V, I284V, I515V.
Identifiers: ClinVar variation 4412562 (VCV004412562.2).

ClinVar aggregate classification (germline): Benign (1 of 4 stars; one submission).

gnomAD v4.1: 2,398 of 1,592,358 alleles (0.15%); highest among the groups gnomAD compares: African/African-American, 2.8%; 34 homozygotes.

Submissions (12):

CeGaT Center for Human Genetics Tuebingen
Classification: Benign. Last evaluated: 2026-07-01. Review status: criteria provided, single submitter. Criteria: CeGaT Center For Human Genetics Tuebingen Variant Classification Criteria Version 2. Collection method: clinical testing. Allele origin: germline. Affected: yes. Observed: 2 variant alleles.
Comment: HEATR3: BP4, BS1, BS2

Dr. Peter K. Rogan Lab, Western University
No classification provided (evidence only). Condition: Clear cell carcinoma of kidney. Review status: no classification provided. Collection method: in vitro. Allele origin: not applicable. Functional consequence: retained intron. Not counted in ClinVar's aggregate classification.

Dr. Peter K. Rogan Lab, Western University
No classification provided (evidence only). Condition: Clear cell carcinoma of kidney. Review status: no classification provided. Collection method: in vitro. Allele origin: not applicable. Functional consequence: retained intron. Not counted in ClinVar's aggregate classification.

Dr. Peter K. Rogan Lab, Western University
No classification provided (evidence only). Condition: Clear cell carcinoma of kidney. Review status: no classification provided. Collection method: in vitro. Allele origin: not applicable. Functional consequence: retained intron. Not counted in ClinVar's aggregate classification.

Dr. Peter K. Rogan Lab, Western University
No classification provided (evidence only). Condition: Colon adenocarcinoma. Review status: no classification provided. Collection method: in vitro. Allele origin: not applicable. Functional consequence: retained intron. Not counted in ClinVar's aggregate classification.

Dr. Peter K. Rogan Lab, Western University
No classification provided (evidence only). Condition: Thyroid cancer, nonmedullary, 1. Review status: no classification provided. Collection method: in vitro. Allele origin: not applicable. Functional consequence: retained intron. Not counted in ClinVar's aggregate classification.

Dr. Peter K. Rogan Lab, Western University
No classification provided (evidence only). Condition: Thyroid cancer, nonmedullary, 1. Review status: no classification provided. Collection method: in vitro. Allele origin: not applicable. Functional consequence: retained intron. Not counted in ClinVar's aggregate classification.

Dr. Peter K. Rogan Lab, Western University
No classification provided (evidence only). Condition: Uterine corpus endometrial carcinoma. Review status: no classification provided. Collection method: in vitro. Allele origin: not applicable. Functional consequence: retained intron. Not counted in ClinVar's aggregate classification.

Dr. Peter K. Rogan Lab, Western University
No classification provided (evidence only). Condition: Cervical cancer. Review status: no classification provided. Collection method: in vitro. Allele origin: not applicable. Functional consequence: retained intron. Not counted in ClinVar's aggregate classification.

Dr. Peter K. Rogan Lab, Western University
No classification provided (evidence only). Condition: Ovarian serous cystadenocarcinoma. Review status: no classification provided. Collection method: in vitro. Allele origin: not applicable. Functional consequence: retained intron. Not counted in ClinVar's aggregate classification.

Dr. Peter K. Rogan Lab, Western University
No classification provided (evidence only). Condition: Gastric cancer. Review status: no classification provided. Collection method: in vitro. Allele origin: not applicable. Functional consequence: retained intron. Not counted in ClinVar's aggregate classification.

Dr. Peter K. Rogan Lab, Western University
No classification provided (evidence only). Condition: Gastric cancer. Review status: no classification provided. Collection method: in vitro. Allele origin: not applicable. Functional consequence: retained intron. Not counted in ClinVar's aggregate classification.